The following is an entry in ClinVar:

ClinVar aggregate classification (germline): Uncertain significance. Review status: criteria provided, multiple submitters, no conflicts (2 of 4 stars). 2 submissions from 2 submitters: Uncertain significance (2). Last evaluated 2024-07-14.

Conditions:
Inborn genetic diseases. Identifiers: MedGen C0950123, MeSH D030342.
Epidermodysplasia verruciformis. Identifiers: Orphanet 302, MedGen C0014522, MONDO:0009176.

Allele frequency attached by ClinVar (database versions not stated): TOPMed 0.00003; gnomAD 0.00002; gnomAD exomes 0.00002.
gnomAD v4.1: 31 of 1,568,916 alleles (0.002%); highest among the groups gnomAD compares: East Asian, 0.0047%; no homozygotes.

Submissions (2):

Ambry Genetics
Classification: Uncertain significance for Inborn genetic diseases. Last evaluated: 2024-07-14. Review status: criteria provided, single submitter. Criteria: Ambry Variant Classification Scheme 2023. Collection method: clinical testing. Allele origin: germline.

Labcorp Genetics (formerly Invitae), Labcorp
Classification: Uncertain significance for Epidermodysplasia verruciformis. Last evaluated: 2022-03-19. Review status: criteria provided, single submitter. Criteria: Invitae Variant Classification Sherloc (09022015). Collection method: clinical testing. Allele origin: germline.
Comment: This sequence change replaces arginine, which is basic and polar, with cysteine, which is neutral and slightly polar, at codon 80 of the TMC6 protein (p.Arg80Cys). The frequency data for this variant in the population databases is considered unreliable, as metrics indicate poor data quality at this position in the gnomAD database. This variant has not been reported in the literature in individuals affected with TMC6-related conditions. Algorithms developed to predict the effect of missense changes on protein structure and function are either unavailable or do not agree on the potential impact of this missense change (SIFT: "Not Available"; PolyPhen-2: "Probably Damaging"; Align-GVGD: "Not Available"). In summary, the available evidence is currently insufficient to determine the role of this variant in disease. Therefore, it has been classified as a Variant of Uncertain Significance.

NM_001127198.5(TMC6):c.238C>T (p.Arg80Cys)

Gene: TMC6 (transmembrane channel like 6; minus strand). Cytogenetic location: 17q25.3.
Variant type: single nucleotide variant.
Coding change: c.238C>T on transcript NM_001127198.5 (MANE Select); coding-DNA position 238, C replaced by T.
Protein change: p.Arg80Cys; replaces arginine 80 with cysteine.
Molecular consequence: missense variant. On other transcripts: non-coding transcript variant (4).
Genome position (GRCh38, 1-based): chr17:78,126,310, G>A on the plus strand (C>T on the coding strand, the complement: TMC6 is on the minus strand). VCF-style: chr17-78126310-G-A. GRCh37 (hg19) VCF-style: chr17-76122391-G-A.
Other names: c.238C>T (NM_007267.6); c.238C>T, p.Arg80Cys (NM_001321185.1, NM_001374593.1, NM_001374594.1 and 4 more transcripts); short protein forms R80C.
Identifiers: ClinVar variation 1417864 (VCV001417864.6), dbSNP rs564531007, ClinGen allele CA8796211.
Genomic context (GRCh38, chr17:78,126,310, plus strand): 5'-GAGGCCGAGGCTGAGGGTCCCACTCACCAATGGTGCGGCTGGGCATGCTGGCCAGGATGC[G>A]GAGTGTGGCCGTGCTCTGGGTGCCCTCGGGCCGCCAGAGTGTCTGCTGGCTACTTCCTAC-3'
Protein context (NP_001120670.1, residues 70-90): PEGTQSTATL[Arg80Cys]ILASMPSRTI